The following is an entry in ClinVar:

NM_013265.4(VPS51):c.1869C>T (p.Ile623=)

Gene: VPS51 (VPS51 subunit of GARP complex; plus strand). Cytogenetic location: 11q13.1.
Variant type: single nucleotide variant.
Coding change: c.1869C>T on transcript NM_013265.4 (MANE Select); coding-DNA position 1869, C replaced by T.
Protein change: p.Ile623=; no amino-acid change (isoleucine 623 retained).
Molecular consequence: synonymous variant. On other transcripts: non-coding transcript variant (1).
Genome position (GRCh38, 1-based): chr11:65,109,914, C>T. VCF-style: chr11-65109914-C-T. GRCh37 (hg19) VCF-style: chr11-64877386-C-T.
Identifiers: ClinVar variation 4822403 (VCV004822403.4).

ClinVar aggregate classification (germline): Likely benign (1 of 4 stars; one submission).

Submission:

CeGaT Center for Human Genetics Tuebingen
Classification: Likely benign. Last evaluated: 2026-03-01. Review status: criteria provided, single submitter. Criteria: CeGaT Center For Human Genetics Tuebingen Variant Classification Criteria Version 2. Collection method: clinical testing. Allele origin: germline. Affected: yes. Observed: 1 variant allele.
Comment: VPS51: BP4, BP7